The following is an entry in ClinVar:

ClinVar aggregate classification (germline): Uncertain significance. Review status: criteria provided, multiple submitters, no conflicts (2 of 4 stars). 3 submissions from 3 submitters: Uncertain significance (3). Last evaluated 2023-04-11.

Conditions:
Pyridoxine-dependent epilepsy (EPEO4). Also called: Pyridoxine-Dependent Epilepsy - ALDH7A1; EPILEPSY, EARLY-ONSET, 4, VITAMIN B6-DEPENDENT; PYRIDOXINE DEPENDENCY WITH SEIZURES; Pyridoxine-Dependent Seizures. Identifiers: Orphanet 3006, MedGen C1849508, MONDO:0009945, OMIM 266100. Disease mechanism: loss of function.
Inborn genetic diseases. Identifiers: MedGen C0950123, MeSH D030342.

Allele frequency attached by ClinVar (database versions not stated): gnomAD exomes below 0.00001.

Submissions (3):

Genome-Nilou Lab
Classification: Uncertain significance for Pyridoxine-dependent epilepsy. Last evaluated: 2023-04-11. Review status: criteria provided, single submitter. Criteria: ACMG Guidelines, 2015. Collection method: clinical testing. Allele origin: germline. Affected: no.

Labcorp Genetics (formerly Invitae), Labcorp
Classification: Uncertain significance for Pyridoxine-dependent epilepsy. Last evaluated: 2021-08-13. Review status: criteria provided, single submitter. Criteria: Invitae Variant Classification Sherloc (09022015). Collection method: clinical testing. Allele origin: germline.
Comment: This sequence change replaces lysine with arginine at codon 263 of the ALDH7A1 protein (p.Lys263Arg). The lysine residue is moderately conserved and there is a small physicochemical difference between lysine and arginine. This variant is not present in population databases (ExAC no frequency). This missense change has been observed in individual(s) with clinical features of ALDH7A1-related conditions (Invitae). Algorithms developed to predict the effect of missense changes on protein structure and function output the following: SIFT: "Tolerated"; PolyPhen-2: "Benign"; Align-GVGD: "Class C0". The arginine amino acid residue is found in multiple mammalian species, which suggests that this missense change does not adversely affect protein function. In summary, the available evidence is currently insufficient to determine the role of this variant in disease. Therefore, it has been classified as a Variant of Uncertain Significance.

Ambry Genetics
Classification: Uncertain significance for Inborn genetic diseases. Last evaluated: 2017-10-09. Review status: criteria provided, single submitter. Criteria: Ambry Variant Classification Scheme 2023. Collection method: clinical testing. Allele origin: germline.
Comment: The p.K263R variant (also known as c.788A>G), located in coding exon 9 of the ALDH7A1 gene, results from an A to G substitution at nucleotide position 788. The lysine at codon 263 is replaced by arginine, an amino acid with highly similar properties. This amino acid position is well conserved in available vertebrate species. In addition, this alteration is predicted to be tolerated by in silico analysis. Since supporting evidence is limited at this time, the clinical significance of this alteration remains unclear.

NM_001182.5(ALDH7A1):c.788A>G (p.Lys263Arg)

Gene: ALDH7A1 (aldehyde dehydrogenase 7 family member A1; minus strand). Cytogenetic location: 5q23.2.
Variant type: single nucleotide variant.
Coding change: c.788A>G on transcript NM_001182.5 (MANE Select); coding-DNA position 788, A replaced by G.
Protein change: p.Lys263Arg; replaces lysine 263 with arginine.
Molecular consequence: missense variant.
Genome position (GRCh38, 1-based): chr5:126,568,342, T>C on the plus strand (A>G on the coding strand, the complement: ALDH7A1 is on the minus strand). VCF-style: chr5-126568342-T-C. GRCh37 (hg19) VCF-style: chr5-125904034-T-C.
Other names: c.704A>G, p.Lys235Arg (NM_001201377.2); c.788A>G, p.Lys263Arg (NM_001202404.2); short protein forms K235R, K263R.
Identifiers: ClinVar variation 863008 (VCV000863008.9), dbSNP rs1750659916, ClinGen allele CA360729490.
Genomic context (GRCh38, chr5:126,568,342, plus strand): 5'-CCCACCTGTTTTCCCACCTGAGTGCTCCCAGTGAAGGACAGCAGGTTCACTCGTTCATCT[T>C]TGGCCATTGCTGTGCTGCAAGGGAACAGACACGGTCGGCCACCCAAGCAGAGAAACCCAG-3'
Protein context (NP_001173.2, residues 253-273): GGADIGTAMA[Lys263Arg]DERVNLLSFT